The following is an entry in ClinVar:

ClinVar aggregate classification (germline): Benign/Likely benign. Review status: criteria provided, multiple submitters, no conflicts (2 of 4 stars). 6 submissions from 6 submitters: Benign (2); Likely benign (3). 1 of the submissions does not count toward it. Last evaluated 2026-01-26.

Conditions:
GFPT1-related disorder. Also called: GFPT1-related condition.
Congenital myasthenic syndrome 12 (CMS12). Also called: MYASTHENIC SYNDROME, CONGENITAL, WITH TUBULAR AGGREGATES 1; Myasthenia, congenital, 12, with tubular aggregates. Identifiers: Orphanet 353327, Orphanet 590, MedGen C3552335, MONDO:0012518, OMIM 610542.

Allele frequency attached by ClinVar (database versions not stated): gnomAD exomes 0.00023 and 0.00049; ExAC 0.00071; 1000 Genomes Project 30x 0.00156; 1000 Genomes Project 0.00160; gnomAD 0.00230 and 0.00249; ESP Exome Variant Server 0.00254; TOPMed 0.00262.
gnomAD v4.1: 694 of 1,612,300 alleles (0.043%); highest among the groups gnomAD compares: African/African-American, 0.8%; 4 homozygotes.

Submissions (6):

Labcorp Genetics (formerly Invitae), Labcorp
Classification: Benign for Congenital myasthenic syndrome 12. Last evaluated: 2026-01-26. Review status: criteria provided, single submitter. Criteria: Invitae Variant Classification Sherloc (09022015). Collection method: clinical testing. Allele origin: germline.

Athena Diagnostics
Classification: Benign. Last evaluated: 2024-11-08. Review status: criteria provided, single submitter. Criteria: Athena Diagnostics Criteria. Collection method: clinical testing. Allele origin: unknown.

Blueprint Genetics
Classification: Likely benign. Last evaluated: 2024-10-18. Review status: criteria provided, single submitter. Criteria: ACMG Guidelines, 2015. Collection method: clinical testing. Allele origin: germline.

GeneDx
Classification: Likely benign. Last evaluated: 2021-03-12. Review status: criteria provided, single submitter. Criteria: GeneDx Variant Classification Process June 2021. Collection method: clinical testing. Allele origin: germline. Affected: yes.

Genetic Services Laboratory, University of Chicago
Classification: Likely benign. Last evaluated: 2016-04-11. Review status: criteria provided, single submitter. Criteria: ACMG Guidelines, 2015. Collection method: clinical testing. Allele origin: germline. Affected: no.

PreventionGenetics, part of Exact Sciences
Classification: Likely benign for GFPT1-related condition. Last evaluated: 2019-05-02. Review status: no assertion criteria provided. Collection method: clinical testing. Allele origin: germline. Not counted in ClinVar's aggregate classification.
Comment: This variant is classified as likely benign based on ACMG/AMP sequence variant interpretation guidelines (Richards et al. 2015 PMID: 25741868, with internal and published modifications).

NM_001244710.2(GFPT1):c.549T>C (p.Gly183=)

Gene: GFPT1 (glutamine--fructose-6-phosphate transaminase 1; minus strand). Cytogenetic location: 2p13.3.
Variant type: single nucleotide variant.
Coding change: c.549T>C on transcript NM_001244710.2 (MANE Select); coding-DNA position 549, T replaced by C.
Protein change: p.Gly183=; no amino-acid change (glycine 183 retained).
Molecular consequence: synonymous variant.
Genome position (GRCh38, 1-based): chr2:69,356,552, A>G on the plus strand (T>C on the coding strand, the complement: GFPT1 is on the minus strand). VCF-style: chr2-69356552-A-G. GRCh37 (hg19) VCF-style: chr2-69583684-A-G.
Other names: c.549T>C, p.Gly183= (NM_002056.4).
Identifiers: ClinVar variation 435322 (VCV000435322.21), dbSNP rs144566433, ClinGen allele CA1693841.